The following is an entry in ClinVar:

NM_020631.6(PLEKHG5):c.2180G>T (p.Ser727Ile)

Gene: PLEKHG5 (pleckstrin homology and RhoGEF domain containing G5; minus strand). Cytogenetic location: 1p36.31.
Variant type: single nucleotide variant.
Coding change: c.2180G>T on transcript NM_020631.6 (MANE Select); coding-DNA position 2180, G replaced by T.
Protein change: p.Ser727Ile; replaces serine 727 with isoleucine.
Molecular consequence: missense variant.
Genome position (GRCh38, 1-based): chr1:6,469,111, C>A on the plus strand (G>T on the coding strand, the complement: PLEKHG5 is on the minus strand). VCF-style: chr1-6469111-C-A. GRCh37 (hg19) VCF-style: chr1-6529171-C-A.
Other names: c.2291G>T, p.Ser764Ile (NM_001042663.3, NM_001265592.2); c.2180G>T, p.Ser727Ile (NM_001042664.2, NM_001042665.2, NM_001265594.3 and 1 more transcripts); c.2387G>T, p.Ser796Ile (NM_001265593.2); short protein forms S727I, S764I, S796I.
Identifiers: ClinVar variation 1056727 (VCV001056727.6), dbSNP rs770641755, ClinGen allele CA561223.

ClinVar aggregate classification (germline): Uncertain significance (1 of 4 stars; one submission).

Conditions:
Charcot-Marie-Tooth disease recessive intermediate C. Also called: CHARCOT-MARIE-TOOTH NEUROPATHY, RECESSIVE INTERMEDIATE C. Identifiers: Orphanet 369867, MedGen C3809309, MONDO:0014154, OMIM 615376.
Neuronopathy, distal hereditary motor, autosomal recessive 4. Also called: NEUROPATHY, DISTAL HEREDITARY MOTOR, AUTOSOMAL RECESSIVE 4; Autosomal recessive lower motor neuron disease with childhood onset. Identifiers: Orphanet 206580, MedGen C1970211, MONDO:0012608, OMIM 611067.

Allele frequency attached by ClinVar (database versions not stated): TOPMed 0.00001; ExAC 0.00004.
gnomAD v4.1: 10 of 1,612,574 alleles (0.00062%); highest among the groups gnomAD compares: Admixed American, 0.017%; no homozygotes.

Submission:

Labcorp Genetics (formerly Invitae), Labcorp
Classification: Uncertain significance for Neuronopathy, distal hereditary motor, autosomal recessive 4; Charcot-Marie-Tooth disease recessive intermediate C. Last evaluated: 2021-08-27. Review status: criteria provided, single submitter. Criteria: Invitae Variant Classification Sherloc (09022015). Collection method: clinical testing. Allele origin: germline.
Comment: This sequence change replaces serine with isoleucine at codon 727 of the PLEKHG5 protein (p.Ser727Ile). The serine residue is highly conserved and there is a large physicochemical difference between serine and isoleucine. This variant is present in population databases (rs770641755, ExAC 0.04%). This variant has not been reported in the literature in individuals affected with PLEKHG5-related conditions. Algorithms developed to predict the effect of missense changes on protein structure and function are either unavailable or do not agree on the potential impact of this missense change (SIFT: "Deleterious"; PolyPhen-2: "Possibly Damaging"; Align-GVGD: "Class C0"). In summary, the available evidence is currently insufficient to determine the role of this variant in disease. Therefore, it has been classified as a Variant of Uncertain Significance.